The following is an entry in ClinVar:

NM_014996.4(PLCH1):c.3387C>A (p.Asn1129Lys)

Gene: PLCH1 (phospholipase C eta 1; minus strand). Cytogenetic location: 3q25.31.
Variant type: single nucleotide variant.
Coding change: c.3387C>A on transcript NM_014996.4 (MANE Select); coding-DNA position 3387, C replaced by A.
Protein change: p.Asn1129Lys; replaces asparagine 1129 with lysine.
Molecular consequence: missense variant. On other transcripts: 3 prime UTR variant (3).
Genome position (GRCh38, 1-based): chr3:155,482,639, G>T on the plus strand (C>A on the coding strand, the complement: PLCH1 is on the minus strand). VCF-style: chr3-155482639-G-T. GRCh37 (hg19) VCF-style: chr3-155200428-G-T.
Other names: c.*430C>A (NM_001130961.2); c.*427C>A (NM_001349250.2, NM_001349252.2); c.3384C>A, p.Asn1128Lys (NM_001349251.2); c.3411C>A, p.Asn1137Lys (NM_001130960.2); short protein forms N1128K, N1129K, N1137K.
Identifiers: ClinVar variation 5040827 (VCV005040827.1).

ClinVar aggregate classification (germline): Likely benign (1 of 4 stars; one submission).

gnomAD v4.1: 915 of 1,614,112 alleles (0.057%); highest among the groups gnomAD compares: South Asian, 0.72%; 16 homozygotes.

Submission:

CeGaT Center for Human Genetics Tuebingen
Classification: Likely benign. Last evaluated: 2026-09-01. Review status: criteria provided, single submitter. Criteria: CeGaT Center For Human Genetics Tuebingen Variant Classification Criteria Version 2. Collection method: clinical testing. Allele origin: germline. Affected: yes. Observed: 1 variant allele.
Comment: PLCH1: BP4, BS2